The following is an entry in ClinVar:

NM_018230.3(NUP133):c.1313C>T (p.Pro438Leu)

Gene: NUP133 (nucleoporin 133; minus strand). Cytogenetic location: 1q42.13.
Variant type: single nucleotide variant.
Coding change: c.1313C>T on transcript NM_018230.3 (MANE Select); coding-DNA position 1313, C replaced by T.
Protein change: p.Pro438Leu; replaces proline 438 with leucine.
Molecular consequence: missense variant.
Genome position (GRCh38, 1-based): chr1:229,487,495, G>A on the plus strand (C>T on the coding strand, the complement: NUP133 is on the minus strand). VCF-style: chr1-229487495-G-A. GRCh37 (hg19) VCF-style: chr1-229623242-G-A.
Other names: short protein forms P438L.
Identifiers: ClinVar variation 2870236 (VCV002870236.3), dbSNP rs202172818, ClinGen allele CA345166329.

ClinVar aggregate classification (germline): Uncertain significance (1 of 4 stars; one submission).

gnomAD v4.1: 2 of 1,613,296 alleles (0.00012%); highest among the groups gnomAD compares: Middle Eastern, 0.017%; no homozygotes.

Submission:

Labcorp Genetics (formerly Invitae), Labcorp
Classification: Uncertain significance. Last evaluated: 2023-11-15. Review status: criteria provided, single submitter. Criteria: Invitae Variant Classification Sherloc (09022015). Collection method: clinical testing. Allele origin: germline.
Comment: This sequence change replaces proline, which is neutral and non-polar, with leucine, which is neutral and non-polar, at codon 438 of the NUP133 protein (p.Pro438Leu). This variant is not present in population databases (gnomAD no frequency). This variant has not been reported in the literature in individuals affected with NUP133-related conditions. An algorithm developed to predict the effect of missense changes on protein structure and function (PolyPhen-2) suggests that this variant is likely to be disruptive. In summary, the available evidence is currently insufficient to determine the role of this variant in disease. Therefore, it has been classified as a Variant of Uncertain Significance.